The following is an entry in ClinVar:

NM_000489.6(ATRX):c.2384G>A (p.Gly795Asp)

Gene: ATRX (ATRX chromatin remodeler; minus strand). Cytogenetic location: Xq21.1.
Variant type: single nucleotide variant.
Coding change: c.2384G>A on transcript NM_000489.6 (MANE Select); coding-DNA position 2384, G replaced by A.
Protein change: p.Gly795Asp; replaces glycine 795 with aspartic acid.
Molecular consequence: missense variant.
Genome position (GRCh38, 1-based): chrX:77,682,872, C>T on the plus strand (G>A on the coding strand, the complement: ATRX is on the minus strand). VCF-style: chrX-77682872-C-T. GRCh37 (hg19) VCF-style: chrX-76938364-C-T.
Other names: c.2270G>A, p.Gly757Asp (NM_138270.5); short protein forms G757D, G795D.
Identifiers: ClinVar variation 1321143 (VCV001321143.4), dbSNP rs892981661, ClinGen allele CA331569024.

ClinVar aggregate classification (germline): Uncertain significance (1 of 4 stars; one submission).

Allele frequency attached by ClinVar (database versions not stated): gnomAD exomes below 0.00001.
gnomAD v4.1: 1 of 1,209,146 alleles (0.000083%); highest among the groups gnomAD compares: Non-Finnish European, 0.00011%; no homozygotes.

Submission:

GeneDx
Classification: Uncertain significance. Last evaluated: 2023-09-30. Review status: criteria provided, single submitter. Criteria: GeneDx Variant Classification Process June 2021. Collection method: clinical testing. Allele origin: germline. Affected: yes.
Comment: Not observed in large population cohorts (gnomAD); In silico analysis supports that this missense variant does not alter protein structure/function; Has not been previously published as pathogenic or benign to our knowledge